The following is an entry in ClinVar:

ClinVar aggregate classification (germline): Uncertain significance (1 of 4 stars; one submission).

gnomAD v4.1: 5 of 1,613,830 alleles (0.00031%); highest among the groups gnomAD compares: Non-Finnish European, 0.00042%; no homozygotes.

Submission:

Labcorp Genetics (formerly Invitae), Labcorp
Classification: Uncertain significance. Last evaluated: 2024-02-17. Review status: criteria provided, single submitter. Criteria: Invitae Variant Classification Sherloc (09022015). Collection method: clinical testing. Allele origin: germline.
Comment: This sequence change replaces arginine, which is basic and polar, with glycine, which is neutral and non-polar, at codon 948 of the ADGRA3 protein (p.Arg948Gly). This variant is present in population databases (no rsID available, gnomAD 0.002%). This variant has not been reported in the literature in individuals affected with ADGRA3-related conditions. ClinVar contains an entry for this variant (Variation ID: 1424781). An algorithm developed to predict the effect of missense changes on protein structure and function (PolyPhen-2) suggests that this variant is likely to be disruptive. In summary, the available evidence is currently insufficient to determine the role of this variant in disease. Therefore, it has been classified as a Variant of Uncertain Significance.

NM_145290.4(ADGRA3):c.2842C>G (p.Arg948Gly)

Gene: ADGRA3 (adhesion G protein-coupled receptor A3; minus strand). Cytogenetic location: 4p15.2.
Variant type: single nucleotide variant.
Coding change: c.2842C>G on transcript NM_145290.4 (MANE Select); coding-DNA position 2842, C replaced by G.
Protein change: p.Arg948Gly; replaces arginine 948 with glycine.
Molecular consequence: missense variant.
Genome position (GRCh38, 1-based): chr4:22,388,829, G>C on the plus strand (C>G on the coding strand, the complement: ADGRA3 is on the minus strand). VCF-style: chr4-22388829-G-C. GRCh37 (hg19) VCF-style: chr4-22390452-G-C.
Other names: short protein forms R948G.
Identifiers: ClinVar variation 1424781 (VCV001424781.6), dbSNP rs761917636, ClinGen allele CA356474729.